The following is an entry in ClinVar:

ClinVar aggregate classification (germline): Conflicting classifications of pathogenicity. Review status: criteria provided, conflicting classifications (1 of 4 stars). 2 submissions from 2 submitters: Uncertain significance (1); Likely benign (1). Last evaluated 2025-04-03.

Conditions:
X-linked myopathy with excessive autophagy (AVM). Also called: Vacuolar myopathy; Autophagic vacuolar myopathy. Identifiers: Orphanet 25980, MedGen C1839615, MONDO:0010684, OMIM 310440.
Inborn genetic diseases. Identifiers: MedGen C0950123, MeSH D030342.

Submissions (2):

Ambry Genetics
Classification: Likely benign for Inborn genetic diseases. Last evaluated: 2025-04-03. Review status: criteria provided, single submitter. Criteria: Ambry Variant Classification Scheme 2023. Collection method: clinical testing. Allele origin: germline.

Labcorp Genetics (formerly Invitae), Labcorp
Classification: Uncertain significance for X-linked myopathy with excessive autophagy. Last evaluated: 2023-10-22. Review status: criteria provided, single submitter. Criteria: Invitae Variant Classification Sherloc (09022015). Collection method: clinical testing. Allele origin: germline.
Comment: This sequence change replaces proline, which is neutral and non-polar, with leucine, which is neutral and non-polar, at codon 4 of the VMA21 protein (p.Pro4Leu). This variant is not present in population databases (gnomAD no frequency). This variant has not been reported in the literature in individuals affected with VMA21-related conditions. Algorithms developed to predict the effect of missense changes on protein structure and function output the following: SIFT: "Not Available"; PolyPhen-2: "Benign"; Align-GVGD: "Not Available". The leucine amino acid residue is found in multiple mammalian species, which suggests that this missense change does not adversely affect protein function. In summary, the available evidence is currently insufficient to determine the role of this variant in disease. Therefore, it has been classified as a Variant of Uncertain Significance.

NM_001017980.4(VMA21):c.11C>T (p.Pro4Leu)

Gene: VMA21 (vacuolar ATPase assembly factor VMA21; plus strand). Cytogenetic location: Xq28.
Variant type: single nucleotide variant.
Coding change: c.11C>T on transcript NM_001017980.4 (MANE Select); coding-DNA position 11, C replaced by T.
Protein change: p.Pro4Leu; replaces proline 4 with leucine.
Molecular consequence: missense variant. On other transcripts: intron variant (1).
Genome position (GRCh38, 1-based): chrX:151,397,319, C>T. VCF-style: chrX-151397319-C-T. GRCh37 (hg19) VCF-style: chrX-150565791-C-T.
Other names: c.218+262C>T (NM_001363810.1); short protein forms P4L.
Identifiers: ClinVar variation 2805853 (VCV002805853.4), dbSNP rs1465930949, ClinGen allele CA415270761.
Genomic context (GRCh38, chrX:151,397,319, plus strand): 5'-CCGCCGAGCCCAGCTCCGCCGCCGAGCGCCTGTGCCGGCACGGCTACACCATGGAGCGCC[C>T]GGATAAGGCGGCGCTGAACGCACTGCAGCCTCCTGAGTTCAGGTAGCCCTGAGCGGGGCC-3'
Protein context (NP_001017980.1, residues 1-14): MER[Pro4Leu]DKAALNALQP